The following is an entry in ClinVar:

NM_002224.4(ITPR3):c.3771+8T>C

Gene: ITPR3 (inositol 1,4,5-trisphosphate receptor type 3; plus strand). Cytogenetic location: 6p21.31.
Variant type: single nucleotide variant.
Coding change: c.3771+8T>C on transcript NM_002224.4 (MANE Select); 8 bases into the intron after coding-DNA position 3771, T replaced by C.
Molecular consequence: intron variant.
Genome position (GRCh38, 1-based): chr6:33,678,551, T>C. VCF-style: chr6-33678551-T-C. GRCh37 (hg19) VCF-style: chr6-33646328-T-C.
Identifiers: ClinVar variation 3060324 (VCV003060324.2), dbSNP rs2274195, ClinGen allele CA3760996.

ClinVar aggregate classification (germline): Benign (0 of 4 stars; one submission).

Conditions:
ITPR3-related disorder. Also called: ITPR3-related condition.

Allele frequency attached by ClinVar (database versions not stated): ESP Exome Variant Server 0.70663; TOPMed 0.70729; gnomAD 0.73447; 1000 Genomes Project 30x 0.76530; 1000 Genomes Project 0.76917; gnomAD exomes 0.78179; ExAC 0.79178.
gnomAD v4.1: 1,238,715 of 1,593,552 alleles (78%); highest among the groups gnomAD compares: East Asian, 93%; 481,651 homozygotes.

Submission:

PreventionGenetics, part of Exact Sciences
Classification: Benign for ITPR3-related condition. Last evaluated: 2019-10-17. Review status: no assertion criteria provided. Collection method: clinical testing. Allele origin: germline.
Comment: This variant is classified as benign based on ACMG/AMP sequence variant interpretation guidelines (Richards et al. 2015 PMID: 25741868, with internal and published modifications).